The following is an entry in ClinVar:

NM_000440.3(PDE6A):c.2136-3_2139del

Gene: PDE6A (phosphodiesterase 6A; minus strand). Cytogenetic location: 5q32.
Variant type: Deletion.
Coding change: c.2136-3_2139del on transcript NM_000440.3 (MANE Select); 3 bases into the intron before coding-DNA position 2136 through coding-DNA position 2139, 7 bases deleted (CAGGGCC; older notation c.2136-3_2139delCAGGGCC).
Molecular consequence: splice acceptor variant.
Genome position (GRCh38, 1-based): chr5:149,868,155-149,868,161, GGCCCTG deleted on the plus strand (CAGGGCC on the coding strand, the reverse complement: PDE6A is on the minus strand); deleting any 7 consecutive bases within chr5:149,868,155-149,868,164 gives the same sequence; the c. name uses the placement nearest the transcript's 3' end. VCF-style (leftmost placement, unchanged base first): chr5-149868154-TGGCCCTG-T. GRCh37 (hg19) VCF-style: chr5-149247717-TGGCCCTG-T.
Identifiers: ClinVar variation 2123439 (VCV002123439.4), dbSNP rs2480443970, ClinGen allele CA2580073861.

ClinVar aggregate classification (germline): Likely pathogenic (1 of 4 stars; one submission).

Submission:

Labcorp Genetics (formerly Invitae), Labcorp
Classification: Likely pathogenic. Last evaluated: 2022-04-09. Review status: criteria provided, single submitter. Criteria: Invitae Variant Classification Sherloc (09022015). Collection method: clinical testing. Allele origin: germline.
Comment: In summary, the currently available evidence indicates that the variant is pathogenic, but additional data are needed to prove that conclusively. Therefore, this variant has been classified as Likely Pathogenic. Algorithms developed to predict the effect of sequence changes on RNA splicing suggest that this variant may disrupt the consensus splice site. This variant has been observed in individual(s) with retinitis pigmentosa (Invitae). This variant is not present in population databases (gnomAD no frequency). This variant results in the deletion of part of exon 18 (c.2136-3_2139del) of the PDE6A gene. It is expected to disrupt RNA splicing. Variants that disrupt the donor or acceptor splice site typically lead to a loss of protein function (PMID: 16199547), and loss-of-function variants in PDE6A are known to be pathogenic (PMID: 7493036, 22128245, 23847139).

Literature cited by the submitters: PubMed 16199547; PubMed 7493036; PubMed 22128245; PubMed 23847139.